The following is an entry in ClinVar:

NM_013275.6(ANKRD11):c.294T>C (p.Phe98=)

Gene: ANKRD11 (ankyrin repeat domain 11; minus strand). Cytogenetic location: 16q24.3.
Variant type: single nucleotide variant.
Coding change: c.294T>C on transcript NM_013275.6 (MANE Select); coding-DNA position 294, T replaced by C.
Protein change: p.Phe98=; no amino-acid change (phenylalanine 98 retained).
Molecular consequence: synonymous variant. On other transcripts: non-coding transcript variant (1).
Genome position (GRCh38, 1-based): chr16:89,291,116, A>G on the plus strand (T>C on the coding strand, the complement: ANKRD11 is on the minus strand). VCF-style: chr16-89291116-A-G. GRCh37 (hg19) VCF-style: chr16-89357524-A-G.
Other names: c.294T>C, p.Phe98= (NM_001256182.2, NM_001256183.2).
Identifiers: ClinVar variation 1301214 (VCV001301214.29), dbSNP rs761640442, ClinGen allele CA8243127.

ClinVar aggregate classification (germline): Likely benign. Review status: criteria provided, multiple submitters, no conflicts (2 of 4 stars). 3 submissions from 3 submitters: Likely benign (3). Last evaluated 2024-05-01.

Conditions:
KBG syndrome (KBGS). Also called: ANKRD11-Related KBG Syndrome. Identifiers: Orphanet 2332, MedGen C0220687, MONDO:0007846, OMIM 148050.

Allele frequency attached by ClinVar (database versions not stated): gnomAD exomes 0.00001 and 0.00006; ExAC 0.00002; gnomAD 0.00002; TOPMed 0.00004.
gnomAD v4.1: 82 of 1,613,780 alleles (0.0051%); highest among the groups gnomAD compares: Non-Finnish European, 0.0069%; no homozygotes.

Submissions (3):

Labcorp Genetics (formerly Invitae), Labcorp
Classification: Likely benign for KBG syndrome. Last evaluated: 2024-05-01. Review status: criteria provided, single submitter. Criteria: Invitae Variant Classification Sherloc (09022015). Collection method: clinical testing. Allele origin: germline.

CeGaT Center for Human Genetics Tuebingen
Classification: Likely benign. Last evaluated: 2022-12-01. Review status: criteria provided, single submitter. Criteria: CeGaT Center For Human Genetics Tuebingen Variant Classification Criteria Version 2. Collection method: clinical testing. Allele origin: germline. Affected: yes. Observed: 1 variant allele.
Comment: ANKRD11: BP4, BP7

GeneDx
Classification: Likely benign. Last evaluated: 2021-03-24. Review status: criteria provided, single submitter. Criteria: GeneDx Variant Classification Process June 2021. Collection method: clinical testing. Allele origin: germline. Affected: yes.